The following is an entry in ClinVar:

ClinVar aggregate classification (germline): Benign. Review status: criteria provided, multiple submitters, no conflicts (2 of 4 stars). 2 submissions from 2 submitters: Benign (2). Last evaluated 2018-06-19.

Allele frequency attached by ClinVar (database versions not stated): gnomAD 0.06641 and 0.06662; 1000 Genomes Project 0.06729; TOPMed 0.07983.

Submissions (2):

GeneDx
Classification: Benign. Last evaluated: 2018-06-19. Review status: criteria provided, single submitter. Criteria: GeneDx Variant Classification (06012015). Collection method: clinical testing. Allele origin: germline. Affected: yes.
Comment: This variant is considered likely benign or benign based on one or more of the following criteria: it is a conservative change, it occurs at a poorly conserved position in the protein, it is predicted to be benign by multiple in silico algorithms, and/or has population frequency not consistent with disease.

Breakthrough Genomics
Classification: Benign. Review status: criteria provided, single submitter. Criteria: ACMG Guidelines, 2015. Collection method: not provided. Allele origin: germline. Inheritance: Autosomal recessive inheritance. Affected: yes.

NM_002768.5(CHMP1A):c.253-199A>G

Gene: CHMP1A (charged multivesicular body protein 1A; minus strand). Cytogenetic location: 16q24.3.
Variant type: single nucleotide variant.
Coding change: c.253-199A>G on transcript NM_002768.5 (MANE Select); 199 bases into the intron before coding-DNA position 253, A replaced by G.
Molecular consequence: intron variant.
Genome position (GRCh38, 1-based): chr16:89,647,530, T>C on the plus strand (A>G on the coding strand, the complement: CHMP1A is on the minus strand). VCF-style: chr16-89647530-T-C. GRCh37 (hg19) VCF-style: chr16-89713938-T-C.
Other names: c.233-199A>G (NM_001083314.4).
Identifiers: ClinVar variation 680227 (VCV000680227.2), dbSNP rs11648089, ClinGen allele CA14341795.